The following is an entry in ClinVar:

ClinVar aggregate classification (germline): Uncertain significance (1 of 4 stars; one submission).

Conditions:
Inborn genetic diseases. Identifiers: MedGen C0950123, MeSH D030342.

Submission:

Ambry Genetics
Classification: Uncertain significance for Inborn genetic diseases. Last evaluated: 2024-08-04. Review status: criteria provided, single submitter. Criteria: Ambry Variant Classification Scheme 2023. Collection method: clinical testing. Allele origin: germline.
Comment: The p.T749S variant (also known as c.2245A>T), located in coding exon 23 of the ERCC2 gene, results from an A to T substitution at nucleotide position 2245. The threonine at codon 749 is replaced by serine, an amino acid with similar properties. This amino acid position is conserved. In addition, this alteration is predicted to be tolerated by in silico analysis. Based on the available evidence, the clinical significance of this variant remains unclear.

NM_000400.4(ERCC2):c.2245A>T (p.Thr749Ser)

Gene: ERCC2 (ERCC excision repair 2, TFIIH core complex helicase subunit; minus strand). Cytogenetic location: 19q13.32.
Variant type: single nucleotide variant.
Coding change: c.2245A>T on transcript NM_000400.4 (MANE Select); coding-DNA position 2245, A replaced by T.
Protein change: p.Thr749Ser; replaces threonine 749 with serine.
Molecular consequence: missense variant.
Genome position (GRCh38, 1-based): chr19:45,351,667, T>A on the plus strand (A>T on the coding strand, the complement: ERCC2 is on the minus strand). VCF-style: chr19-45351667-T-A. GRCh37 (hg19) VCF-style: chr19-45854925-T-A.
Other names: short protein forms T749S.
Identifiers: ClinVar variation 3509817 (VCV003509817.1).